The following is an entry in ClinVar:

NM_001363540.2(DOCK4):c.3586-5dup

Gene: DOCK4 (dedicator of cytokinesis 4; minus strand). Cytogenetic location: 7q31.1.
Variant type: Duplication.
Coding change: c.3586-5dup on transcript NM_001363540.2 (MANE Select); 5 bases into the intron before coding-DNA position 3586, one base duplicated (T; older notation c.3586-5dupT).
Molecular consequence: intron variant.
Genome position (GRCh38, 1-based): chr7:111,778,374, A duplicated on the plus strand (T on the coding strand, the reverse complement: DOCK4 is on the minus strand); the first of 7 consecutive A bases (chr7:111,778,374-111,778,380); duplicating any one gives the same sequence. VCF-style (leftmost placement, unchanged base first): chr7-111778373-T-TA. GRCh37 (hg19) VCF-style: chr7-111418429-T-TA.
Other names: c.3559-5dup (NM_014705.4).
Identifiers: ClinVar variation 4821343 (VCV004821343.4).

ClinVar aggregate classification (germline): Likely benign (1 of 4 stars; one submission).

Submission:

CeGaT Center for Human Genetics Tuebingen
Classification: Likely benign. Last evaluated: 2026-02-01. Review status: criteria provided, single submitter. Criteria: CeGaT Center For Human Genetics Tuebingen Variant Classification Criteria Version 2. Collection method: clinical testing. Allele origin: germline. Affected: yes. Observed: 1 variant allele.
Comment: DOCK4: BP4